The following is an entry in ClinVar:

NM_007194.4(CHEK2):c.51C>T (p.Ala17=)

Gene: CHEK2 (checkpoint kinase 2; minus strand). Cytogenetic location: 22q12.1.
Variant type: single nucleotide variant.
Coding change: c.51C>T on transcript NM_007194.4 (MANE Select); coding-DNA position 51, C replaced by T.
Protein change: p.Ala17=; no amino-acid change (alanine 17 retained).
Molecular consequence: synonymous variant.
Genome position (GRCh38, 1-based): chr22:28,734,671, G>A on the plus strand (C>T on the coding strand, the complement: CHEK2 is on the minus strand). VCF-style: chr22-28734671-G-A. GRCh37 (hg19) VCF-style: chr22-29130659-G-A.
Other names: c.51C>T, p.Ala17= (NM_001005735.3, NM_001349956.3, NM_145862.3); c.-727C>T (NM_001257387.3).
Identifiers: ClinVar variation 792226 (VCV000792226.11), dbSNP rs1601853973, ClinGen allele CA513946636.
Genomic context (GRCh38, chr22:28,734,671, plus strand): 5'-GCCCTGGGACTGTGAGGAGGAGCCTTGGGACTGGGTAACGCTGCCATGGGGCTGTGAACA[G>A]GCACTGCTGCCATGAGACTGCTGAGCCTCAACATCCGACTCCCGAGACATCACGACCTCA-3'
Protein context (NP_009125.1, residues 7-27): VEAQQSHGSS[Ala17=]CSQPHGSVTQ

ClinVar aggregate classification (germline): Benign/Likely benign. Review status: criteria provided, multiple submitters, no conflicts (2 of 4 stars). 2 submissions from 2 submitters: Benign (1); Likely benign (1). Last evaluated 2024-10-01.

Conditions:
Familial cancer of breast. Also called: Hereditary breast cancer; BREAST CANCER, FAMILIAL; hereditary breast carcinoma. Identifiers: Orphanet 227535, MedGen C0346153, MONDO:0016419, OMIM 114480. Disease mechanism: loss of function.

gnomAD v4.1: 1 of 1,613,914 alleles (0.000062%); highest among the groups gnomAD compares: South Asian, 0.0011%; no homozygotes.

Submissions (2):

Myriad Genetics, Inc.
Classification: Benign for Familial cancer of breast. Last evaluated: 2024-10-01. Review status: criteria provided, single submitter. Criteria: Myriad Autosomal Dominant, Autosomal Recessive and X-Linked Classification Criteria (2023). Collection method: clinical testing. Allele origin: unknown.
Comment: This variant is considered benign. This variant is a silent/synonymous amino acid change and it is not expected to impact splicing.

Labcorp Genetics (formerly Invitae), Labcorp
Classification: Likely benign for Familial cancer of breast. Last evaluated: 2020-02-22. Review status: criteria provided, single submitter. Criteria: Invitae Variant Classification Sherloc (09022015). Collection method: clinical testing. Allele origin: germline.